The following is an entry in ClinVar:

NM_005236.3(ERCC4):c.2588G>C (p.Cys863Ser)

Gene: ERCC4 (ERCC excision repair 4, endonuclease catalytic subunit; plus strand). Cytogenetic location: 16p13.12.
Variant type: single nucleotide variant.
Coding change: c.2588G>C on transcript NM_005236.3 (MANE Select); coding-DNA position 2588, G replaced by C.
Protein change: p.Cys863Ser; replaces cysteine 863 with serine.
Molecular consequence: missense variant.
Genome position (GRCh38, 1-based): chr16:13,948,184, G>C. VCF-style: chr16-13948184-G-C. GRCh37 (hg19) VCF-style: chr16-14042041-G-C.
Other names: short protein forms C863S.
Identifiers: ClinVar variation 856803 (VCV000856803.9), dbSNP rs749822053, ClinGen allele CA7910771.

ClinVar aggregate classification (germline): Uncertain significance (1 of 4 stars; one submission).

Conditions:
Xeroderma pigmentosum, group F (XPF). Also called: XERODERMA PIGMENTOSUM, COMPLEMENTATION GROUP F; XERODERMA PIGMENTOSUM VI; XP, GROUP F; ERCC4-Related Xeroderma Pigmentosum; XERODERMA PIGMENTOSUM, TYPE F; Xeroderma pigmentosum, type 6. Identifiers: MedGen C0268140, MONDO:0010215, OMIM 278760.
Cockayne syndrome. Identifiers: Orphanet 191, MedGen C0009207, MONDO:0016006.
Fanconi anemia complementation group Q. Identifiers: Orphanet 84, MedGen C3808988, MONDO:0014108, OMIM 615272.

Allele frequency attached by ClinVar (database versions not stated): gnomAD exomes below 0.00001 and 0.00001; ExAC 0.00001; gnomAD 0.00001; TOPMed 0.00001.
gnomAD v4.1: 4 of 1,614,044 alleles (0.00025%); highest among the groups gnomAD compares: African/African-American, 0.0053%; no homozygotes.

Submission:

Labcorp Genetics (formerly Invitae), Labcorp
Classification: Uncertain significance for Fanconi anemia complementation group Q; Xeroderma pigmentosum, group F; Cockayne syndrome. Last evaluated: 2020-07-24. Review status: criteria provided, single submitter. Criteria: Invitae Variant Classification Sherloc (09022015). Collection method: clinical testing. Allele origin: germline.
Comment: This variant has not been reported in the literature in individuals with ERCC4-related conditions. In summary, the available evidence is currently insufficient to determine the role of this variant in disease. Therefore, it has been classified as a Variant of Uncertain Significance. Algorithms developed to predict the effect of missense changes on protein structure and function (SIFT, PolyPhen-2, Align-GVGD) all suggest that this variant is likely to be tolerated, but these predictions have not been confirmed by published functional studies and their clinical significance is uncertain. This variant is present in population databases (rs749822053, ExAC 0.01%). This sequence change replaces cysteine with serine at codon 863 of the ERCC4 protein (p.Cys863Ser). The cysteine residue is moderately conserved and there is a moderate physicochemical difference between cysteine and serine.